The following is an entry in ClinVar:

ClinVar aggregate classification (germline): Uncertain significance (1 of 4 stars; one submission).

Submission:

Labcorp Genetics (formerly Invitae), Labcorp
Classification: Uncertain significance. Last evaluated: 2025-07-03. Review status: criteria provided, single submitter. Criteria: Invitae Variant Classification Sherloc (09022015). Collection method: clinical testing. Allele origin: germline.
Comment: This sequence change replaces serine, which is neutral and polar, with tyrosine, which is neutral and polar, at codon 492 of the ACO2 protein (p.Ser492Tyr). This variant is not present in population databases (gnomAD no frequency). This variant has not been reported in the literature in individuals affected with ACO2-related conditions. Invitae Evidence Modeling of protein sequence and biophysical properties (such as structural, functional, and spatial information, amino acid conservation, physicochemical variation, residue mobility, and thermodynamic stability) indicates that this missense variant is expected to disrupt ACO2 protein function with a positive predictive value of 80%. In summary, the available evidence is currently insufficient to determine the role of this variant in disease. Therefore, it has been classified as a Variant of Uncertain Significance.

NM_001098.3(ACO2):c.1475C>A (p.Ser492Tyr)

Gene: ACO2 (aconitase 2; plus strand). Cytogenetic location: 22q13.2.
Variant type: single nucleotide variant.
Coding change: c.1475C>A on transcript NM_001098.3 (MANE Select); coding-DNA position 1475, C replaced by A.
Protein change: p.Ser492Tyr; replaces serine 492 with tyrosine.
Molecular consequence: missense variant.
Genome position (GRCh38, 1-based): chr22:41,523,934, C>A. VCF-style: chr22-41523934-C-A. GRCh37 (hg19) VCF-style: chr22-41919938-C-A.
Other names: short protein forms S492Y.
Identifiers: ClinVar variation 4740255 (VCV004740255.1).